The following is an entry in ClinVar:

NM_006662.3(SRCAP):c.6889C>T (p.Arg2297Trp)

Gene: SRCAP (Snf2 related CREBBP activator protein; plus strand). Cytogenetic location: 16p11.2.
Variant type: single nucleotide variant.
Coding change: c.6889C>T on transcript NM_006662.3 (MANE Select); coding-DNA position 6889, C replaced by T.
Protein change: p.Arg2297Trp; replaces arginine 2297 with tryptophan.
Molecular consequence: missense variant.
Genome position (GRCh38, 1-based): chr16:30,736,359, C>T. VCF-style: chr16-30736359-C-T. GRCh37 (hg19) VCF-style: chr16-30747680-C-T.
Other names: short protein forms R2297W.
Identifiers: ClinVar variation 2574958 (VCV002574958.4), dbSNP rs1398741863, ClinGen allele CA395628830.

ClinVar aggregate classification (germline): Uncertain significance. Review status: criteria provided, multiple submitters, no conflicts (2 of 4 stars). 2 submissions from 2 submitters: Uncertain significance (2). Last evaluated 2023-02-06.

Submissions (2):

GeneDx
Classification: Uncertain significance. Last evaluated: 2023-02-06. Review status: criteria provided, single submitter. Criteria: GeneDx Variant Classification Process June 2021. Collection method: clinical testing. Allele origin: germline. Affected: yes.
Comment: Not observed at significant frequency in large population cohorts (gnomAD); In silico analysis supports that this missense variant has a deleterious effect on protein structure/function; Has not been previously published as pathogenic or benign to our knowledge

Labcorp Genetics (formerly Invitae), Labcorp
Classification: Uncertain significance. Last evaluated: 2022-12-31. Review status: criteria provided, single submitter. Criteria: Invitae Variant Classification Sherloc (09022015). Collection method: clinical testing. Allele origin: germline.
Comment: In summary, the available evidence is currently insufficient to determine the role of this variant in disease. Therefore, it has been classified as a Variant of Uncertain Significance. Advanced modeling of protein sequence and biophysical properties (such as structural, functional, and spatial information, amino acid conservation, physicochemical variation, residue mobility, and thermodynamic stability) performed at Invitae indicates that this missense variant is not expected to disrupt SRCAP protein function. This sequence change replaces arginine, which is basic and polar, with tryptophan, which is neutral and slightly polar, at codon 2297 of the SRCAP protein (p.Arg2297Trp). This variant has not been reported in the literature in individuals affected with SRCAP-related conditions. This variant is not present in population databases (gnomAD no frequency).